The following is an entry in ClinVar:

NM_000384.3(APOB):c.10093C>G (p.His3365Asp)

Gene: APOB (apolipoprotein B; minus strand). Cytogenetic location: 2p24.1.
Variant type: single nucleotide variant.
Coding change: c.10093C>G on transcript NM_000384.3 (MANE Select); coding-DNA position 10093, C replaced by G.
Protein change: p.His3365Asp; replaces histidine 3365 with aspartic acid.
Molecular consequence: missense variant.
Genome position (GRCh38, 1-based): chr2:21,006,775, G>C on the plus strand (C>G on the coding strand, the complement: APOB is on the minus strand). VCF-style: chr2-21006775-G-C. GRCh37 (hg19) VCF-style: chr2-21229647-G-C.
Other names: short protein forms H3365D.
Identifiers: ClinVar variation 4862657 (VCV004862657.1).

ClinVar aggregate classification (germline): Uncertain significance (1 of 4 stars; one submission).

Conditions:
Cardiovascular phenotype. Identifiers: MedGen CN230736.

Submission:

Ambry Genetics
Classification: Uncertain significance for Cardiovascular phenotype. Last evaluated: 2026-05-18. Review status: criteria provided, single submitter. Criteria: Ambry Variant Classification Scheme 2023. Collection method: clinical testing. Allele origin: germline.
Comment: The p.H3365D variant (also known as c.10093C>G), located in coding exon 26 of the APOB gene, results from a C to G substitution at nucleotide position 10093. The histidine at codon 3365 is replaced by aspartic acid, an amino acid with similar properties. This variant was reported in individual(s) with features consistent with APOB-related familial hypercholesterolemia (Sun D et al. Lipids Health Dis, 2018 Nov;17:252). This amino acid position is not well conserved in available vertebrate species. In addition, this alteration is predicted to be tolerated by in silico analysis. Based on the available evidence, the clinical significance of this variant remains unclear.

Literature cited by the submitters: PubMed 30400955.